The following is an entry in ClinVar:

NM_006946.4(SPTBN2):c.5314G>A (p.Val1772Met)

Gene: SPTBN2 (spectrin beta, non-erythrocytic 2; minus strand). Cytogenetic location: 11q13.2.
Variant type: single nucleotide variant.
Coding change: c.5314G>A on transcript NM_006946.4 (MANE Select); coding-DNA position 5314, G replaced by A.
Protein change: p.Val1772Met; replaces valine 1772 with methionine.
Molecular consequence: missense variant.
Genome position (GRCh38, 1-based): chr11:66,691,535, C>T on the plus strand (G>A on the coding strand, the complement: SPTBN2 is on the minus strand). VCF-style: chr11-66691535-C-T. GRCh37 (hg19) VCF-style: chr11-66459006-C-T.
Other names: short protein forms V1772M.
Identifiers: ClinVar variation 448511 (VCV000448511.12), dbSNP rs200189497, ClinGen allele CA6128298.

ClinVar aggregate classification (germline): Benign/Likely benign. Review status: criteria provided, multiple submitters, no conflicts (2 of 4 stars). 3 submissions from 3 submitters: Benign (1); Likely benign (1). 1 of the submissions does not count toward it. Last evaluated 2025-06-11.

Conditions:
SPTBN2-related disorder. Also called: SPTBN2-related condition.

Allele frequency attached by ClinVar (database versions not stated): gnomAD 0.00004 and 0.00020; TOPMed 0.00005; ESP Exome Variant Server 0.00008; gnomAD exomes 0.00025 and 0.00051; ExAC 0.00053; 1000 Genomes Project 30x 0.00109; 1000 Genomes Project 0.00120.

Submissions (3):

Athena Diagnostics
Classification: Benign. Last evaluated: 2025-06-11. Review status: criteria provided, single submitter. Criteria: Athena Diagnostics Criteria. Collection method: clinical testing. Allele origin: unknown.
Comment: The frequency of this variant in the general population is higher than would generally be expected for pathogenic variants in this gene.

Labcorp Genetics (formerly Invitae), Labcorp
Classification: Likely benign. Last evaluated: 2025-02-24. Review status: criteria provided, single submitter. Criteria: Invitae Variant Classification Sherloc (09022015). Collection method: clinical testing. Allele origin: germline.

PreventionGenetics, part of Exact Sciences
Classification: Likely benign for SPTBN2-related condition. Last evaluated: 2023-10-13. Review status: no assertion criteria provided. Collection method: clinical testing. Allele origin: germline. Not counted in ClinVar's aggregate classification.
Comment: This variant is classified as likely benign based on ACMG/AMP sequence variant interpretation guidelines (Richards et al. 2015 PMID: 25741868, with internal and published modifications).

Literature cited by the submitters: PubMed 32657593 (cited by Athena Diagnostics).